The following is an entry in ClinVar:

ClinVar aggregate classification (germline): Pathogenic. Review status: criteria provided, single submitter (1 of 4 stars). 2 submissions from 2 submitters: Pathogenic (1). 1 of the submissions does not count toward it. Last evaluated 2023-07-14.

Conditions:
Orofaciodigital syndrome type 6 (OFD6). Also called: OROFACIODIGITAL SYNDROME VI; OFDS VI; POLYDACTYLY, CLEFT LIP/PALATE OR LINGUAL LUMP, AND PSYCHOMOTOR RETARDATION; VARADI SYNDROME; VARADI-PAPP SYNDROME; Oral-facial-digital syndrome type 6. Identifiers: Orphanet 2754, MedGen C2745997, MONDO:0010176, OMIM 277170.

Allele frequency attached by ClinVar (database versions not stated): gnomAD exomes below 0.00001.
gnomAD v4.1: 6 of 1,490,654 alleles (0.0004%); highest among the groups gnomAD compares: South Asian, 0.0056%; no homozygotes.

Submissions (2):

GeneDx
Classification: Pathogenic. Last evaluated: 2023-07-14. Review status: criteria provided, single submitter. Criteria: GeneDx Variant Classification Process June 2021. Collection method: clinical testing. Allele origin: germline. Affected: yes.
Comment: Canonical splice site variant predicted to result in a null allele in a gene for which loss of function is a known mechanism of disease; Not observed at significant frequency in large population cohorts (gnomAD); This variant is associated with the following publications: (PMID: 24178751)

OMIM
Classification: Pathogenic for OROFACIODIGITAL SYNDROME VI. Last evaluated: 2014-03-01. Review status: no assertion criteria provided. Collection method: literature only. Allele origin: germline. Not counted in ClinVar's aggregate classification.

Literature cited by the submitters: PubMed 24178751 (cited by OMIM).

NM_001384732.1(CPLANE1):c.3150-1G>T

Gene: CPLANE1 (ciliogenesis and planar polarity effector complex subunit 1; minus strand). Cytogenetic location: 5p13.2.
Variant type: single nucleotide variant.
Coding change: c.3150-1G>T on transcript NM_001384732.1 (MANE Select); the canonical splice acceptor site of the intron before coding-DNA position 3150, G replaced by T.
Molecular consequence: splice acceptor variant.
Genome position (GRCh38, 1-based): chr5:37,205,455, C>A on the plus strand (G>T on the coding strand, the complement: CPLANE1 is on the minus strand). VCF-style: chr5-37205455-C-A. GRCh37 (hg19) VCF-style: chr5-37205557-C-A.
Other names: IVS18AS, G-T, -1; c.3150-1G>T (NM_023073.4).
Identifiers: ClinVar variation 157512 (VCV000157512.2), dbSNP rs606231258, ClinGen allele CA170944.